The following is an entry in ClinVar:

ClinVar aggregate classification (germline): Uncertain significance. Review status: criteria provided, multiple submitters, no conflicts (2 of 4 stars). 2 submissions from 2 submitters: Uncertain significance (2). Last evaluated 2025-08-13.

Conditions:
Inborn genetic diseases. Identifiers: MedGen C0950123, MeSH D030342.

Submissions (2):

Ambry Genetics
Classification: Uncertain significance for Inborn genetic diseases. Last evaluated: 2025-08-13. Review status: criteria provided, single submitter. Criteria: Ambry Variant Classification Scheme 2023. Collection method: clinical testing. Allele origin: germline.

Labcorp Genetics (formerly Invitae), Labcorp
Classification: Uncertain significance. Last evaluated: 2024-10-08. Review status: criteria provided, single submitter. Criteria: Invitae Variant Classification Sherloc (09022015). Collection method: clinical testing. Allele origin: germline.
Comment: This sequence change replaces histidine, which is basic and polar, with leucine, which is neutral and non-polar, at codon 22 of the IREB2 protein (p.His22Leu). This variant is present in population databases (rs151288039, gnomAD 0.01%). This variant has not been reported in the literature in individuals affected with IREB2-related conditions. An algorithm developed to predict the effect of missense changes on protein structure and function (PolyPhen-2) suggests that this variant is likely to be tolerated. In summary, the available evidence is currently insufficient to determine the role of this variant in disease. Therefore, it has been classified as a Variant of Uncertain Significance.

NM_004136.4(IREB2):c.65A>T (p.His22Leu)

Gene: IREB2 (iron responsive element binding protein 2; plus strand). Cytogenetic location: 15q25.1.
Variant type: single nucleotide variant.
Coding change: c.65A>T on transcript NM_004136.4 (MANE Select); coding-DNA position 65, A replaced by T.
Protein change: p.His22Leu; replaces histidine 22 with leucine.
Molecular consequence: missense variant. On other transcripts: 5 prime UTR variant (3).
Genome position (GRCh38, 1-based): chr15:78,439,840, A>T. VCF-style: chr15-78439840-A-T. GRCh37 (hg19) VCF-style: chr15-78732182-A-T.
Other names: c.65A>T (NM_004136.2); c.-616A>T (NM_001320941.2); c.-107A>T (NM_001320942.2, NM_001354994.2); c.65A>T, p.His22Leu (NM_001320943.2); short protein forms H22L.
Identifiers: ClinVar variation 3622237 (VCV003622237.3).